The following is an entry in ClinVar:

NM_000787.4(DBH):c.1676C>T (p.Ala559Val)

Genes: DBH (dopamine beta-hydroxylase; plus strand), DBH-AS1 (DBH antisense RNA 1; minus strand). Cytogenetic location: 9q34.2.
Variant type: single nucleotide variant.
Coding change: c.1676C>T on transcript NM_000787.4 (MANE Select); coding-DNA position 1676, C replaced by T.
Protein change: p.Ala559Val; replaces alanine 559 with valine.
Molecular consequence: missense variant. On other transcripts: non-coding transcript variant (1).
Genome position (GRCh38, 1-based): chr9:133,657,183, C>T. VCF-style: chr9-133657183-C-T. GRCh37 (hg19) VCF-style: chr9-136522305-C-T.
Other names: short protein forms A559V.
Identifiers: ClinVar variation 2078250 (VCV002078250.1), dbSNP rs774314704, ClinGen allele CA5313644.

ClinVar aggregate classification (germline): Uncertain significance (1 of 4 stars; one submission).

Conditions:
Orthostatic hypotension 1 (ORTHYP1). Also called: Orthostatic hypotension 1, due to DBH deficiency; Dopamine beta-hydroxylase deficiency; NORADRENALINE DEFICIENCY; NOREPINEPHRINE DEFICIENCY. Identifiers: Orphanet 230, MedGen C4746777, MONDO:0009123, OMIM 223360.

Allele frequency attached by ClinVar (database versions not stated): gnomAD 0.00001; ExAC 0.00002; TOPMed 0.00002; gnomAD exomes 0.00005.
gnomAD v4.1: 75 of 1,614,026 alleles (0.0046%); highest among the groups gnomAD compares: Middle Eastern, 0.016%; no homozygotes.

Submission:

Labcorp Genetics (formerly Invitae), Labcorp
Classification: Uncertain significance for Orthostatic hypotension 1. Last evaluated: 2022-04-01. Review status: criteria provided, single submitter. Criteria: Invitae Variant Classification Sherloc (09022015). Collection method: clinical testing. Allele origin: germline.
Comment: This sequence change replaces alanine, which is neutral and non-polar, with valine, which is neutral and non-polar, at codon 559 of the DBH protein (p.Ala559Val). This variant is present in population databases (rs774314704, gnomAD 0.003%). This variant has not been reported in the literature in individuals affected with DBH-related conditions. Algorithms developed to predict the effect of missense changes on protein structure and function are either unavailable or do not agree on the potential impact of this missense change (SIFT: "Tolerated"; PolyPhen-2: "Possibly Damaging"; Align-GVGD: "Class C0"). In summary, the available evidence is currently insufficient to determine the role of this variant in disease. Therefore, it has been classified as a Variant of Uncertain Significance.